The following is an entry in ClinVar:

NM_177438.3(DICER1):c.982_983del (p.Glu328fs)

Gene: DICER1 (dicer 1, ribonuclease III; minus strand). Cytogenetic location: 14q32.13.
Variant type: Microsatellite.
Coding change: c.982_983del on transcript NM_177438.3 (MANE Select); coding-DNA positions 982 to 983, 2 bases deleted (GA; older notation c.982_983delGA).
Protein change: p.Glu328fs; shifts the reading frame from glutamic acid 328.
Molecular consequence: frameshift variant.
Genome position (GRCh38, 1-based): chr14:95,124,589-95,124,590, TC deleted on the plus strand (GA on the coding strand, the reverse complement: DICER1 is on the minus strand); deleting any 2 consecutive bases within chr14:95,124,589-95,124,593 gives the same sequence; the c. name uses the placement nearest the transcript's 3' end. VCF-style (leftmost placement, unchanged base first): chr14-95124588-TTC-T. GRCh37 (hg19) VCF-style: chr14-95590925-TTC-T.
Other names: c.982_983del, p.Glu328fs (NM_001195573.1, NM_001271282.3, NM_001291628.2 and 1 more transcripts); short protein forms E328fs.
Identifiers: ClinVar variation 1424960 (VCV001424960.7), dbSNP rs2140207293, ClinGen allele CA2580613748.

ClinVar aggregate classification (germline): Pathogenic (1 of 4 stars; one submission).

Conditions:
DICER1-related tumor predisposition. Also called: DICER1-related pleuropulmonary blastoma cancer predisposition syndrome; DICER1 syndrome. Identifiers: Orphanet 284343, MedGen C3839822, MONDO:0100216.

Submission:

Labcorp Genetics (formerly Invitae), Labcorp
Classification: Pathogenic for DICER1-related tumor predisposition. Last evaluated: 2023-01-31. Review status: criteria provided, single submitter. Criteria: Invitae Variant Classification Sherloc (09022015). Collection method: clinical testing. Allele origin: germline.
Comment: This variant has not been reported in the literature in individuals affected with DICER1-related conditions. For these reasons, this variant has been classified as Pathogenic. This sequence change creates a premature translational stop signal (p.Glu328Thrfs*8) in the DICER1 gene. It is expected to result in an absent or disrupted protein product. Loss-of-function variants in DICER1 are known to be pathogenic (PMID: 19556464, 21266384). This variant is not present in population databases (gnomAD no frequency).

Literature cited by the submitters: PubMed 19556464; PubMed 21266384.